The following is an entry in ClinVar:

ClinVar aggregate classification (germline): Uncertain significance (1 of 4 stars; one submission).

Conditions:
Autosomal recessive limb-girdle muscular dystrophy type 2O. Also called: Limb-Girdle Muscular Dystrophy Type 3C; MUSCULAR DYSTROPHY-DYSTROGLYCANOPATHY (LIMB-GIRDLE), TYPE C, 3; MUSCULAR DYSTROPHY-DYSTROGLYCANOPATHY, LIMB-GIRDLE, POMGNT1-RELATED. Identifiers: Orphanet 206564, MedGen C3150417, MONDO:0013161, OMIM 613157.
Muscular dystrophy-dystroglycanopathy (congenital with impaired intellectual development), type B, 3. Also called: Muscular dystrophy-dystroglycanopathy (congenital with intellectual disability), type B3; MUSCULAR DYSTROPHY, CONGENITAL, POMGNT1-RELATED. Identifiers: MedGen C3150412, MONDO:0013155, OMIM 613151.

Allele frequency attached by ClinVar (database versions not stated): gnomAD exomes 0.00001.
gnomAD v4.1: 3 of 1,614,168 alleles (0.00019%); highest among the groups gnomAD compares: Non-Finnish European, 0.00025%; no homozygotes.

Submission:

Labcorp Genetics (formerly Invitae), Labcorp
Classification: Uncertain significance for Autosomal recessive limb-girdle muscular dystrophy type 2O; Muscular dystrophy-dystroglycanopathy (congenital with impaired intellectual development), type B, 3. Last evaluated: 2022-03-09. Review status: criteria provided, single submitter. Criteria: Invitae Variant Classification Sherloc (09022015). Collection method: clinical testing. Allele origin: germline.
Comment: This sequence change replaces valine, which is neutral and non-polar, with methionine, which is neutral and non-polar, at codon 244 of the POMGNT1 protein (p.Val244Met). This variant is not present in population databases (gnomAD no frequency). This variant has not been reported in the literature in individuals affected with POMGNT1-related conditions. Advanced modeling of protein sequence and biophysical properties (such as structural, functional, and spatial information, amino acid conservation, physicochemical variation, residue mobility, and thermodynamic stability) performed at Invitae indicates that this missense variant is not expected to disrupt POMGNT1 protein function. In summary, the available evidence is currently insufficient to determine the role of this variant in disease. Therefore, it has been classified as a Variant of Uncertain Significance.

NM_017739.4(POMGNT1):c.730G>A (p.Val244Met)

Genes: POMGNT1 (protein O-linked mannose N-acetylglucosaminyltransferase 1 (beta 1,2-); minus strand), TSPAN1 (tetraspanin 1; plus strand). Cytogenetic location: 1p34.1.
Variant type: single nucleotide variant.
Coding change: c.730G>A on transcript NM_017739.4 (MANE Select); coding-DNA position 730, G replaced by A.
Protein change: p.Val244Met; replaces valine 244 with methionine.
Molecular consequence: missense variant.
Genome position (GRCh38, 1-based): chr1:46,194,574, C>T on the plus strand (G>A on the coding strand, the complement: POMGNT1 is on the minus strand). VCF-style: chr1-46194574-C-T. GRCh37 (hg19) VCF-style: chr1-46660246-C-T.
Other names: c.730G>A, p.Val244Met (NM_001243766.2, NM_001410783.1); c.664G>A, p.Val222Met (NM_001290129.3); c.301G>A, p.Val101Met (NM_001290130.2); short protein forms V101M, V244M, V222M.
Identifiers: ClinVar variation 2160288 (VCV002160288.1), dbSNP rs2525428132, ClinGen allele CA340183852.
Genomic context (GRCh38, chr1:46,194,574, plus strand): 5'-AGCCCAGGCCCTGCCCCATCCATGCTCCACTAACTCCACCTTCTGCTGAGCTCAATGGCA[C>T]ATCTGTCTTCAGCAGGACTGGGTCCCCCCAGGAAGAGAGGGCAGGTGATTTAGAATGTTT-3'
Protein context (NP_060209.4, residues 234-254): WGDPVLLKTD[Val244Met]PLSSAEEAEC